The following is an entry in ClinVar:

NM_001035.3(RYR2):c.1637A>G (p.Lys546Arg)

Gene: RYR2 (ryanodine receptor 2; plus strand). Cytogenetic location: 1q43.
Variant type: single nucleotide variant.
Coding change: c.1637A>G on transcript NM_001035.3 (MANE Select); coding-DNA position 1637, A replaced by G.
Protein change: p.Lys546Arg; replaces lysine 546 with arginine.
Molecular consequence: missense variant.
Genome position (GRCh38, 1-based): chr1:237,469,116, A>G. VCF-style: chr1-237469116-A-G. GRCh37 (hg19) VCF-style: chr1-237632416-A-G.
Other names: short protein forms K546R.
Identifiers: ClinVar variation 1516935 (VCV001516935.9), dbSNP rs1660400133, ClinGen allele CA345383665.

ClinVar aggregate classification (germline): Uncertain significance (1 of 4 stars; one submission).

Conditions:
Catecholaminergic polymorphic ventricular tachycardia 1. Also called: RYR2-Related Catecholaminergic Polymorphic Ventricular Tachycardia; VENTRICULAR TACHYCARDIA, STRESS-INDUCED POLYMORPHIC 1; VENTRICULAR TACHYCARDIA, CATECHOLAMINERGIC POLYMORPHIC, 1, WITH OR WITHOUT ATRIAL DYSFUNCTION AND/OR DILATED CARDIOMYOPATHY. Identifiers: Orphanet 3286, MedGen C1631597, MONDO:0011484, OMIM 604772.

Allele frequency attached by ClinVar (database versions not stated): TOPMed below 0.00001.

Submission:

Labcorp Genetics (formerly Invitae), Labcorp
Classification: Uncertain significance for Catecholaminergic polymorphic ventricular tachycardia 1. Last evaluated: 2021-03-15. Review status: criteria provided, single submitter. Criteria: Invitae Variant Classification Sherloc (09022015). Collection method: clinical testing. Allele origin: germline.
Comment: In summary, the available evidence is currently insufficient to determine the role of this variant in disease. Therefore, it has been classified as a Variant of Uncertain Significance. This sequence change replaces lysine with arginine at codon 546 of the RYR2 protein (p.Lys546Arg). The lysine residue is highly conserved and there is a small physicochemical difference between lysine and arginine. This variant is not present in population databases (ExAC no frequency). This variant has not been reported in the literature in individuals with RYR2-related conditions. Advanced modeling of protein sequence and biophysical properties (such as structural, functional, and spatial information, amino acid conservation, physicochemical variation, residue mobility, and thermodynamic stability) performed at Invitae indicates that this missense variant is not expected to disrupt RYR2 protein function.